The following is an entry in ClinVar:

ClinVar aggregate classification (germline): Pathogenic (1 of 4 stars; one submission).

Conditions:
Intellectual disability. Also called: Intellectual functioning disability; intellectual disabilities; Intellectual developmental disorder. Identifiers: MedGen C3714756, MeSH D008607, MONDO:0001071, HP:0001249.

Submission:

Institute of Human Genetics, University of Leipzig Medical Center
Classification: Pathogenic for Intellectual disability. Last evaluated: 2021-02-25. Review status: criteria provided, single submitter. Criteria: ACMG Guidelines, 2015. Collection method: clinical testing. Allele origin: paternal. Inheritance: Autosomal recessive inheritance. Affected: yes. Observed: 1 variant allele, 1 compound heterozygote.
Comment: The variant was reviewed according to current ACMG recommendations and classified as Pathogenic (criteria: PSV1_VeryStrong, PM2_Supporting, PM3_Moderate). This variant was identified in a compound heterozygous state with the variant NM_000153.4(GALC):c.1185dup (p.Arg396fs)(Variation ID: 976185).

NM_000153.4:c.(1161+1_1162-1)_(*1718_?)del

Gene: GALC (galactosylceramidase; minus strand). Cytogenetic location: 14q31.3.
Variant type: Deletion.
Other names: c.(1161+1_1162-1)_(*1718_?)del (NM_000153.4).
Identifiers: ClinVar variation 997812 (VCV000997812.1).